The following is an entry in ClinVar:

ClinVar aggregate classification (germline): Uncertain significance (1 of 4 stars; one submission).

Conditions:
Inborn genetic diseases. Identifiers: MedGen C0950123, MeSH D030342.

gnomAD v4.1: 1 of 1,614,128 alleles (0.000062%); highest among the groups gnomAD compares: Admixed American, 0.0017%; no homozygotes.

Submission:

Ambry Genetics
Classification: Uncertain significance for Inborn genetic diseases. Last evaluated: 2026-07-07. Review status: criteria provided, single submitter. Criteria: Ambry Variant Classification Scheme 2023. Collection method: clinical testing. Allele origin: germline.
Comment: The p.P3567S variant (also known as c.10699C>T), located in coding exon 73 of the RYR1 gene, results from a C to T substitution at nucleotide position 10699. The proline at codon 3567 is replaced by serine, an amino acid with similar properties. This amino acid position is conserved. In addition, the in silico prediction for this alteration is inconclusive. Based on the available evidence, the clinical significance of this variant remains unclear.

NM_000540.3(RYR1):c.10699C>T (p.Pro3567Ser)

Gene: RYR1 (ryanodine receptor 1; plus strand). Cytogenetic location: 19q13.2.
Variant type: single nucleotide variant.
Coding change: c.10699C>T on transcript NM_000540.3 (MANE Select); coding-DNA position 10699, C replaced by T.
Protein change: p.Pro3567Ser; replaces proline 3567 with serine.
Molecular consequence: missense variant.
Genome position (GRCh38, 1-based): chr19:38,527,659, C>T. VCF-style: chr19-38527659-C-T. GRCh37 (hg19) VCF-style: chr19-39018299-C-T.
Other names: c.10684C>T, p.Pro3562Ser (NM_001042723.2); short protein forms P3562S, P3567S.
Identifiers: ClinVar variation 5028638 (VCV005028638.1).